The following is an entry in ClinVar:

NC_000007.14:g.(?_128835316)_(128858533_?)dup

Gene: FLNC (filamin C; plus strand). Cytogenetic location: 7q32.1.
Variant type: Duplication.
Identifiers: ClinVar variation 832029 (VCV000832029.6).

ClinVar aggregate classification (germline): Uncertain significance (1 of 4 stars; one submission).

Conditions:
Myofibrillar myopathy 5. Also called: Filaminopathy (type); FILAMINOPATHY, AUTOSOMAL DOMINANT. Identifiers: Orphanet 171445, MedGen C1836050, MONDO:0012289, OMIM 609524.
Hypertrophic cardiomyopathy 26. Also called: Cardiomyopathy, familial hypertrophic, 26. Identifiers: Orphanet 75249, MedGen C4310749, MONDO:0014883, OMIM 617047.
Distal myopathy with posterior leg and anterior hand involvement. Also called: WILLIAMS DISTAL MYOPATHY. Identifiers: Orphanet 63273, MedGen C3279722, MONDO:0013550, OMIM 614065.
Dilated Cardiomyopathy, Dominant.

Submission:

Labcorp Genetics (formerly Invitae), Labcorp
Classification: Uncertain significance for Distal myopathy with posterior leg and anterior hand involvement; Myofibrillar myopathy 5; Hypertrophic cardiomyopathy 26. Last evaluated: 2019-07-30. Review status: criteria provided, single submitter. Criteria: Invitae Variant Classification Sherloc (09022015). Collection method: clinical testing. Allele origin: germline.
Comment: This variant has not been reported in the literature in individuals with FLNC-related conditions. This variant results in a copy number gain of the genomic region encompassing exons 2-48 of the FLNC gene. The 5' boundary is likely confined to intron 1. The 3' end of this event is unknown as it extends beyond the assayed region for this gene and therefore may encompass additional genes. As the precise location of this event is unknown, it may be in tandem or it may be located elsewhere in the genome. In summary, the available evidence is currently insufficient to determine the role of this variant in disease. Therefore, it has been classified as a Variant of Uncertain Significance. Experimental studies and prediction algorithms are not available or were not evaluated for this variant, and the functional significance of the affected amino acid(s) is currently unknown.